The following is an entry in ClinVar:

NM_002016.2(FLG):c.11479G>T (p.Gly3827Trp)

Genes: CCDST (cervical cancer associated DHX9 suppressive transcript; plus strand), FLG (filaggrin; minus strand). Cytogenetic location: 1q21.3.
Variant type: single nucleotide variant.
Coding change: c.11479G>T on transcript NM_002016.2 (MANE Select); coding-DNA position 11479, G replaced by T.
Protein change: p.Gly3827Trp; replaces glycine 3827 with tryptophan.
Molecular consequence: missense variant.
Genome position (GRCh38, 1-based): chr1:152,303,407, C>A on the plus strand (G>T on the coding strand, the complement: FLG is on the minus strand). VCF-style: chr1-152303407-C-A. GRCh37 (hg19) VCF-style: chr1-152275883-C-A.
Other names: short protein forms G3827W.
Identifiers: ClinVar variation 1694522 (VCV001694522.31), dbSNP rs140464988, ClinGen allele CA1102893.

ClinVar aggregate classification (germline): Likely benign (1 of 4 stars; one submission).

Allele frequency attached by ClinVar (database versions not stated): 1000 Genomes Project 0.00060; TOPMed 0.00071; 1000 Genomes Project 30x 0.00078; gnomAD 0.00079 and 0.00081; ESP Exome Variant Server 0.00092; ExAC 0.00100; gnomAD exomes 0.00110.
gnomAD v4.1: 1,332 of 1,614,084 alleles (0.083%); highest among the groups gnomAD compares: Middle Eastern, 0.56%; 3 homozygotes.

Submission:

CeGaT Center for Human Genetics Tuebingen
Classification: Likely benign. Last evaluated: 2026-04-01. Review status: criteria provided, single submitter. Criteria: CeGaT Center For Human Genetics Tuebingen Variant Classification Criteria Version 2. Collection method: clinical testing. Allele origin: germline. Affected: yes. Observed: 9 variant alleles.
Comment: FLG: BP4, BS1